The following is an entry in ClinVar:

NM_000722.4(CACNA2D1):c.3060A>G (p.Ile1020Met)

Gene: CACNA2D1 (calcium voltage-gated channel auxiliary subunit alpha2delta 1; minus strand). Cytogenetic location: 7q21.11.
Variant type: single nucleotide variant.
Coding change: c.3060A>G on transcript NM_000722.4 (MANE Select); coding-DNA position 3060, A replaced by G.
Protein change: p.Ile1020Met; replaces isoleucine 1020 with methionine.
Molecular consequence: missense variant.
Genome position (GRCh38, 1-based): chr7:81,959,736, T>C on the plus strand (A>G on the coding strand, the complement: CACNA2D1 is on the minus strand). VCF-style: chr7-81959736-T-C. GRCh37 (hg19) VCF-style: chr7-81589052-T-C.
Other names: c.3096A>G, p.Ile1032Met (NM_001366867.1); short protein forms I1020M, I1032M.
Identifiers: ClinVar variation 810110 (VCV000810110.21), dbSNP rs748581194, ClinGen allele CA4317411.

ClinVar aggregate classification (germline): Conflicting classifications of pathogenicity. Review status: criteria provided, conflicting classifications (1 of 4 stars). 2 submissions from 2 submitters: Uncertain significance (1); Benign (1). Last evaluated 2024-10-24.

Conditions:
Cardiovascular phenotype. Identifiers: MedGen CN230736.
Brugada syndrome. Also called: Sudden unexpected nocturnal death syndrome; Sudden Unexplained Nocturnal Death Syndrome (SUNDS); Sudden unexplained nocturnal death syndrome; Sudden Unexplained Death Syndrome. Identifiers: Orphanet 130, MedGen C1142166, MONDO:0015263.

Allele frequency attached by ClinVar (database versions not stated): ExAC 0.00004; TOPMed 0.00002; gnomAD exomes 0.00006; gnomAD 0.00004.
gnomAD v4.1: 94 of 1,612,528 alleles (0.0058%); highest among the groups gnomAD compares: Admixed American, 0.018%; no homozygotes.

Submissions (2):

Labcorp Genetics (formerly Invitae), Labcorp
Classification: Uncertain significance for Brugada syndrome. Last evaluated: 2024-10-24. Review status: criteria provided, single submitter. Criteria: Invitae Variant Classification Sherloc (09022015). Collection method: clinical testing. Allele origin: germline.
Comment: This sequence change replaces isoleucine, which is neutral and non-polar, with methionine, which is neutral and non-polar, at codon 1020 of the CACNA2D1 protein (p.Ile1020Met). This variant is present in population databases (rs748581194, gnomAD 0.02%). This missense change has been observed in individual(s) with sudden unexplained death (PMID: 29247119). ClinVar contains an entry for this variant (Variation ID: 810110). An algorithm developed to predict the effect of missense changes on protein structure and function outputs the following: PolyPhen-2: "Benign". The methionine amino acid residue is found in multiple mammalian species, which suggests that this missense change does not adversely affect protein function. In summary, the available evidence is currently insufficient to determine the role of this variant in disease. Therefore, it has been classified as a Variant of Uncertain Significance.

Ambry Genetics
Classification: Benign for Cardiovascular phenotype. Last evaluated: 2023-12-22. Review status: criteria provided, single submitter. Criteria: Ambry Variant Classification Scheme 2023. Collection method: clinical testing. Allele origin: germline.

Literature cited by the submitters: PubMed 29247119 (cited by Labcorp Genetics (formerly Invitae), Labcorp and Ambry Genetics).